The following is an entry in ClinVar:

NM_133261.3(GIPC3):c.400G>A (p.Ala134Thr)

Gene: GIPC3 (GIPC PDZ domain containing family member 3; plus strand). Cytogenetic location: 19p13.3.
Variant type: single nucleotide variant.
Coding change: c.400G>A on transcript NM_133261.3 (MANE Select); coding-DNA position 400, G replaced by A.
Protein change: p.Ala134Thr; replaces alanine 134 with threonine.
Molecular consequence: missense variant.
Genome position (GRCh38, 1-based): chr19:3,586,669, G>A. VCF-style: chr19-3586669-G-A. GRCh37 (hg19) VCF-style: chr19-3586667-G-A.
Other names: short protein forms A134T.
Identifiers: ClinVar variation 620637 (VCV000620637.3), dbSNP rs1348505504, ClinGen allele CA403361696.

ClinVar aggregate classification (germline): Likely pathogenic (0 of 4 stars; one submission).

Conditions:
Sensorineural hearing loss disorder. Also called: Sensorineural hearing loss; Sensorineural hearing impairment; Sensorineural Deafness. Identifiers: MedGen C0018784, MeSH D006319, MONDO:0020678, HP:0000407.

Allele frequency attached by ClinVar (database versions not stated): gnomAD exomes below 0.00001; gnomAD 0.00001.
gnomAD v4.1: 3 of 1,439,780 alleles (0.00021%); highest among the groups gnomAD compares: Non-Finnish European, 0.00029%; no homozygotes.

Submission:

Hereditary Hearing Loss Research Unit, University of Madras
Classification: Likely pathogenic for Sensorineural hearing loss. Last evaluated: 2018-04-17. Review status: no assertion criteria provided. Collection method: research. Allele origin: inherited. Affected: yes. Observed: 1 heterozygote.
Comment: This variant is located in the PDZ domain which is the site of major protein-protein interaction of GIPC protein.